The following is an entry in ClinVar:

ClinVar aggregate classification (germline): Uncertain significance. Review status: criteria provided, multiple submitters, no conflicts (2 of 4 stars). 6 submissions from 6 submitters: Uncertain significance (6). Last evaluated 2025-06-21.

Conditions:
Hereditary cancer-predisposing syndrome. Also called: Tumor predisposition; Hereditary Cancer Syndrome; Neoplastic Syndromes, Hereditary; Hereditary neoplastic syndrome. Identifiers: Orphanet 140162, MedGen C0027672, MeSH D009386, MONDO:0015356.
Familial cancer of breast. Also called: BREAST CANCER, FAMILIAL; Hereditary breast cancer; hereditary breast carcinoma. Identifiers: Orphanet 227535, MedGen C0346153, MONDO:0016419, OMIM 114480. Disease mechanism: loss of function.
Fanconi anemia complementation group J. Also called: BRIP1-Related Fanconi Anemia. Identifiers: Orphanet 84, MedGen C1836860, MONDO:0012187, OMIM 609054.

Allele frequency attached by ClinVar (database versions not stated): gnomAD exomes 0.00001; ExAC 0.00002.
gnomAD v4.1: 6 of 1,610,214 alleles (0.00037%); highest among the groups gnomAD compares: Non-Finnish European, 0.00042%; no homozygotes.

Submissions (6):

Ambry Genetics
Classification: Uncertain significance for Hereditary cancer-predisposing syndrome. Last evaluated: 2025-06-21. Review status: criteria provided, single submitter. Criteria: Ambry Variant Classification Scheme 2023. Collection method: clinical testing. Allele origin: germline.
Comment: The p.G1243C variant (also known as c.3727G>T), located in coding exon 19 of the BRIP1 gene, results from a G to T substitution at nucleotide position 3727. The glycine at codon 1243 is replaced by cysteine, an amino acid with highly dissimilar properties. This amino acid position is not well conserved in available vertebrate species. In addition, this alteration is predicted to be tolerated by in silico analysis. Since supporting evidence is limited at this time, the clinical significance of this alteration remains unclear.

Center for Genomic Medicine, Rigshospitalet, Copenhagen University Hospital
Classification: Uncertain significance. Last evaluated: 2025-03-04. Review status: criteria provided, single submitter. Criteria: ACMG Guidelines, 2015. Collection method: clinical testing. Allele origin: germline.

Labcorp Genetics (formerly Invitae), Labcorp
Classification: Uncertain significance for Familial cancer of breast; Fanconi anemia complementation group J. Last evaluated: 2024-08-04. Review status: criteria provided, single submitter. Criteria: Invitae Variant Classification Sherloc (09022015). Collection method: clinical testing. Allele origin: germline.
Comment: This sequence change replaces glycine, which is neutral and non-polar, with cysteine, which is neutral and slightly polar, at codon 1243 of the BRIP1 protein (p.Gly1243Cys). This variant is present in population databases (rs587780250, gnomAD 0.003%). This variant has not been reported in the literature in individuals affected with BRIP1-related conditions. ClinVar contains an entry for this variant (Variation ID: 128190). An algorithm developed to predict the effect of missense changes on protein structure and function (PolyPhen-2) suggests that this variant is likely to be disruptive. In summary, the available evidence is currently insufficient to determine the role of this variant in disease. Therefore, it has been classified as a Variant of Uncertain Significance.

Color Diagnostics, LLC DBA Color Health
Classification: Uncertain significance for Hereditary cancer-predisposing syndrome. Last evaluated: 2023-12-04. Review status: criteria provided, single submitter. Criteria: ACMG Guidelines, 2015. Collection method: clinical testing. Allele origin: germline.
Comment: This missense variant replaces glycine with cysteine at codon 1243 of the BRIP1 protein. Computational prediction suggests that this variant may not impact protein structure and function (internally defined REVEL score threshold <= 0.5, PMID: 27666373). To our knowledge, functional studies have not been reported for this variant. This variant has not been reported in individuals affected with BRIP1-related disorders in the literature. This variant has been identified in 3/250240 chromosomes in the general population by the Genome Aggregation Database (gnomAD). The available evidence is insufficient to determine the role of this variant in disease conclusively. Therefore, this variant is classified as a Variant of Uncertain Significance.

Baylor Genetics
Classification: Uncertain significance for Familial cancer of breast. Last evaluated: 2023-10-23. Review status: criteria provided, single submitter. Criteria: ACMG Guidelines, 2015. Collection method: clinical testing. Allele origin: unknown.

GeneDx
Classification: Uncertain significance. Last evaluated: 2014-02-05. Review status: criteria provided, single submitter. Criteria: GeneDx Variant Classification (06012015). Collection method: clinical testing. Allele origin: germline. Affected: yes.
Comment: This variant is denoted BRIP1 c.3727G>T at the cDNA level, p.Gly1243Cys (G1243C) at the protein level, and results in the change of a Glycine to a Cysteine (GGC>TGC). This variant has not, to our knowledge, been published in the literature as pathogenic or benign. BRIP1 Gly1243Cys was not observed in approximately 6,500 individuals of European and African American ancestry in the NHLBI Exome Sequencing Project, indicating it is not a common benign variant in these populations. This variant is a non-conservative substitution in which a neutral non-polar amino acid is replaced with a neutral polar one, altering a position that is moderately conserved throughout evolution and is not located in a known functional domain. In silico analyses are inconsistent with regard to the effect this variant may have on protein structure and function. Based on the currently available information, we consider BRIP1 Gly1243Cys to be a variant of uncertain significance. Furthermore, BRIP1 has been only recently described in association with cancer predisposition and the risks are not well understood.

NM_032043.3(BRIP1):c.3727G>T (p.Gly1243Cys)

Gene: BRIP1 (BRCA1 interacting DNA helicase 1; minus strand). Cytogenetic location: 17q23.2.
Variant type: single nucleotide variant.
Coding change: c.3727G>T on transcript NM_032043.3 (MANE Select); coding-DNA position 3727, G replaced by T.
Protein change: p.Gly1243Cys; replaces glycine 1243 with cysteine.
Molecular consequence: missense variant.
Genome position (GRCh38, 1-based): chr17:61,683,319, C>A on the plus strand (G>T on the coding strand, the complement: BRIP1 is on the minus strand). VCF-style: chr17-61683319-C-A. GRCh37 (hg19) VCF-style: chr17-59760680-C-A.
Other names: p.G1243C:GGC>TGC; short protein forms G1243C.
Identifiers: ClinVar variation 128190 (VCV000128190.20), dbSNP rs587780250, ClinGen allele CA288600.
Genomic context (GRCh38, chr17:61,683,319, plus strand): 5'-ATGACATATTTTTACTTAGCTTGAGAGTTAAGTATTATTACTTAAAACCAGGAAACATGC[C>A]TTTATTTTTGGAAGGAGATGGTTTAAAGTTCTTTATTTCTATTTCATGAGTTTTTCCCAG-3'
Protein context (NP_114432.2, residues 1233-1249): NFKPSPSKNK[Gly1243Cys]MFPGFK